The following is an entry in ClinVar:

ClinVar aggregate classification (germline): Uncertain significance (1 of 4 stars; one submission).

Submission:

Labcorp Genetics (formerly Invitae), Labcorp
Classification: Uncertain significance. Last evaluated: 2022-08-19. Review status: criteria provided, single submitter. Criteria: Invitae Variant Classification Sherloc (09022015). Collection method: clinical testing. Allele origin: germline.
Comment: This sequence change replaces proline, which is neutral and non-polar, with threonine, which is neutral and polar, at codon 2247 of the ADGRV1 protein (p.Pro2247Thr). This variant is not present in population databases (gnomAD no frequency). This variant has not been reported in the literature in individuals affected with ADGRV1-related conditions. Algorithms developed to predict the effect of missense changes on protein structure and function are either unavailable or do not agree on the potential impact of this missense change (SIFT: "Deleterious"; PolyPhen-2: "Possibly Damaging"; Align-GVGD: "Class C0"). In summary, the available evidence is currently insufficient to determine the role of this variant in disease. Therefore, it has been classified as a Variant of Uncertain Significance.

NM_032119.4(ADGRV1):c.6739C>A (p.Pro2247Thr)

Gene: ADGRV1 (adhesion G protein-coupled receptor V1; plus strand). Cytogenetic location: 5q14.3.
Variant type: single nucleotide variant.
Coding change: c.6739C>A on transcript NM_032119.4 (MANE Select); coding-DNA position 6739, C replaced by A.
Protein change: p.Pro2247Thr; replaces proline 2247 with threonine.
Molecular consequence: missense variant. On other transcripts: non-coding transcript variant (1).
Genome position (GRCh38, 1-based): chr5:90,690,829, C>A. VCF-style: chr5-90690829-C-A. GRCh37 (hg19) VCF-style: chr5-89986646-C-A.
Other names: short protein forms P2247T.
Identifiers: ClinVar variation 1716791 (VCV001716791.5), dbSNP rs2530904330, ClinGen allele CA360367473.